The following is an entry in ClinVar:

NM_001330260.2(SCN8A):c.492G>A (p.Thr164=)

Gene: SCN8A (sodium voltage-gated channel alpha subunit 8; plus strand). Cytogenetic location: 12q13.13.
Variant type: single nucleotide variant.
Coding change: c.492G>A on transcript NM_001330260.2 (MANE Select); coding-DNA position 492, G replaced by A.
Protein change: p.Thr164=; no amino-acid change (threonine 164 retained).
Molecular consequence: synonymous variant.
Genome position (GRCh38, 1-based): chr12:51,687,097, G>A. VCF-style: chr12-51687097-G-A. GRCh37 (hg19) VCF-style: chr12-52080881-G-A.
Other names: c.492G>A, p.Thr164= (NM_001177984.3, NM_001369788.1, NM_014191.4).
Identifiers: ClinVar variation 514712 (VCV000514712.4), dbSNP rs762641381, ClinGen allele CA6571077.
Genomic context (GRCh38, chr12:51,687,097, plus strand): 5'-TTCATTTAAAGTTTCTGTCCAGAAATTACCTCAAGCTATTCATTTCTTTGACAGGTACAC[G>A]TTCACAGGGATTTATACATTTGAATCACTAGTGAAAATCATTGCAAGAGGTTTCTGCATA-3'
Protein context (NP_001317189.1, residues 154-174): PPDWSKNVEY[Thr164=]FTGIYTFESL

ClinVar aggregate classification (germline): Likely benign. Review status: criteria provided, multiple submitters, no conflicts (2 of 4 stars). 2 submissions from 2 submitters: Likely benign (2). Last evaluated 2025-03-31.

Conditions:
Early-infantile DEE. Also called: Early infantile epileptic encephalopathy with suppression bursts; Early infantile epileptic encephalopathy; Ohtahara syndrome. Identifiers: Orphanet 1934, MedGen C0393706, MONDO:0800491.

Allele frequency attached by ClinVar (database versions not stated): gnomAD exomes below 0.00001 and 0.00001; ExAC 0.00001; gnomAD 0.00001; TOPMed 0.00002.
gnomAD v4.1: 5 of 1,613,102 alleles (0.00031%); highest among the groups gnomAD compares: East Asian, 0.0022%; no homozygotes.

Submissions (2):

Labcorp Genetics (formerly Invitae), Labcorp
Classification: Likely benign for Early-infantile DEE. Last evaluated: 2025-03-31. Review status: criteria provided, single submitter. Criteria: Invitae Variant Classification Sherloc (09022015). Collection method: clinical testing. Allele origin: germline.

GeneDx
Classification: Likely benign. Last evaluated: 2018-01-17. Review status: criteria provided, single submitter. Criteria: GeneDx Variant Classification (06012015). Collection method: clinical testing. Allele origin: germline. Affected: yes.
Comment: This variant is considered likely benign or benign based on one or more of the following criteria: it is a conservative change, it occurs at a poorly conserved position in the protein, it is predicted to be benign by multiple in silico algorithms, and/or has population frequency not consistent with disease.